The following is an entry in ClinVar:

ClinVar aggregate classification (germline): Conflicting classifications of pathogenicity. Review status: criteria provided, conflicting classifications (1 of 4 stars). 2 submissions from 2 submitters: Uncertain significance (1); Likely benign (1). Last evaluated 2026-01-20.

Submissions (2):

Labcorp Genetics (formerly Invitae), Labcorp
Classification: Likely benign. Last evaluated: 2026-01-20. Review status: criteria provided, single submitter. Criteria: Invitae Variant Classification Sherloc (09022015). Collection method: clinical testing. Allele origin: germline.

Quest Diagnostics Nichols Institute San Juan Capistrano
Classification: Uncertain significance. Last evaluated: 2024-04-18. Review status: criteria provided, single submitter. Criteria: Quest Diagnostics criteria. Collection method: clinical testing. Allele origin: unknown.
Comment: The RECQL c.1797+7G>A variant has not been reported in individuals with RECQL-related conditions in the published literature. The frequency of this variant in the general population, 0.00001 (2/193688 chromosomes (Genome Aggregation Database)), is uninformative in the assessment of its pathogenicity. Analysis of this variant using software algorithms for the prediction of the effect of nucleotide changes on splicing yielded predictions that this variant does not affect RECQL mRNA splicing. Based on the available information, we are unable to determine the clinical significance of this variant.

NM_002907.4(RECQL):c.1797+7G>A

Genes: PYROXD1 (pyridine nucleotide-disulphide oxidoreductase domain 1; plus strand), RECQL (RecQ like helicase; minus strand). Cytogenetic location: 12p12.1.
Variant type: single nucleotide variant.
Coding change: c.1797+7G>A on transcript NM_002907.4 (MANE Select); 7 bases into the intron after coding-DNA position 1797, G replaced by A.
Molecular consequence: intron variant. On other transcripts: 3 prime UTR variant (3).
Genome position (GRCh38, 1-based): chr12:21,470,962, C>T on the plus strand (G>A on the coding strand, the complement: RECQL is on the minus strand). VCF-style: chr12-21470962-C-T. GRCh37 (hg19) VCF-style: chr12-21623896-C-T.
Other names: c.*2208C>T (NM_001350912.2, NM_001350913.2, NM_024854.5); c.1797+7G>A (NM_032941.3).
Identifiers: ClinVar variation 3572225 (VCV003572225.3).